The following is an entry in ClinVar:

NM_032119.4(ADGRV1):c.10173G>A (p.Trp3391Ter)

Gene: ADGRV1 (adhesion G protein-coupled receptor V1; plus strand). Cytogenetic location: 5q14.3.
Variant type: single nucleotide variant.
Coding change: c.10173G>A on transcript NM_032119.4 (MANE Select); coding-DNA position 10173, G replaced by A.
Protein change: p.Trp3391Ter; replaces tryptophan 3391 with a stop codon.
Molecular consequence: nonsense. On other transcripts: non-coding transcript variant (1).
Genome position (GRCh38, 1-based): chr5:90,728,680, G>A. VCF-style: chr5-90728680-G-A. GRCh37 (hg19) VCF-style: chr5-90024497-G-A.
Other names: short protein forms W3391*.
Identifiers: ClinVar variation 2069806 (VCV002069806.4), dbSNP rs2531364797, ClinGen allele CA360403601.

ClinVar aggregate classification (germline): Pathogenic (1 of 4 stars; one submission).

Submission:

Labcorp Genetics (formerly Invitae), Labcorp
Classification: Pathogenic. Last evaluated: 2022-01-02. Review status: criteria provided, single submitter. Criteria: Invitae Variant Classification Sherloc (09022015). Collection method: clinical testing. Allele origin: germline.
Comment: For these reasons, this variant has been classified as Pathogenic. Algorithms developed to predict the effect of sequence changes on RNA splicing suggest that this variant may create or strengthen a splice site. This variant has not been reported in the literature in individuals affected with ADGRV1-related conditions. This variant is not present in population databases (gnomAD no frequency). This sequence change creates a premature translational stop signal (p.Trp3391*) in the ADGRV1 gene. It is expected to result in an absent or disrupted protein product. Loss-of-function variants in ADGRV1 are known to be pathogenic (PMID: 19357117, 22135276, 22147658, 26226137, 26667666, 30029497, 32467589).

Literature cited by the submitters: PubMed 19357117; PubMed 22135276; PubMed 22147658; PubMed 26226137; PubMed 26667666; PubMed 30029497; PubMed 32467589.